The following is an entry in ClinVar:

ClinVar aggregate classification (germline): Uncertain significance. Review status: criteria provided, multiple submitters, no conflicts (2 of 4 stars). 4 submissions from 4 submitters: Uncertain significance (4). Last evaluated 2026-09-02.

Conditions:
Wilson disease (WND). Also called: Wilson's disease. Identifiers: Orphanet 905, MedGen C0019202, MONDO:0010200, OMIM 277900. Disease mechanism: loss of function.

Submissions (4):

Myriad Genetics, Inc.
Classification: Uncertain significance for Wilson disease. Last evaluated: 2026-09-02. Review status: criteria provided, single submitter. Criteria: Myriad Autosomal Dominant, Autosomal Recessive and X-Linked Classification Criteria (2023). Collection method: clinical testing. Allele origin: unknown.
Comment: NM_000053.3(ATP7B):c.1900A>G(R634G) is a missense variant classified as a variant of uncertain significance in the context of Wilson disease. R634G has been observed in cases with relevant disease (PMID: 35220961, 38830145). Relevant functional assessments of this variant are not available in the literature. R634G has not been observed in referenced population frequency databases. In summary, there is insufficient evidence to classify NM_000053.3(ATP7B):c.1900A>G(R634G) as pathogenic or benign. Please note: this variant was assessed in the context of healthy population screening.

Women's Health and Genetics/Laboratory Corporation of America, LabCorp
Classification: Uncertain significance. Last evaluated: 2024-10-08. Review status: criteria provided, single submitter. Criteria: LabCorp Variant Classification Summary - May 2015. Collection method: clinical testing. Allele origin: germline.
Comment: Variant summary: ATP7B c.1900A>G (p.Arg634Gly) results in a non-conservative amino acid change in the encoded protein sequence. Four of five in-silico tools predict a damaging effect of the variant on protein function. The variant was absent in 249574 control chromosomes. The available data on variant occurrences in the general population are insufficient to allow any conclusion about variant significance. c.1900A>G has been reported in the literature in the compound heterozygous state in at least one individual affected with Wilson Disease (Zhang_2022, Su_2024). These data do not allow any conclusion about variant significance. To our knowledge, no experimental evidence demonstrating an impact on protein function has been reported. The following publications have been ascertained in the context of this evaluation (PMID: 38830145, 35220961). ClinVar contains an entry for this variant (Variation ID: 3071480). Based on the evidence outlined above, the variant was classified as uncertain significance.

Revvity Omics, Revvity
Classification: Uncertain significance for Wilson disease. Last evaluated: 2024-08-19. Review status: criteria provided, single submitter. Criteria: ACMG Guidelines, 2015. Collection method: clinical testing. Allele origin: germline.

All of Us Research Program, National Institutes of Health
Classification: Uncertain significance for Wilson disease. Last evaluated: 2023-06-08. Review status: criteria provided, single submitter. Criteria: ACMG Guidelines, 2015. Collection method: clinical testing. Allele origin: germline. Inheritance: Autosomal recessive inheritance. Observed: 1 variant allele, 1 heterozygote.
Comment: This missense variant replaces arginine with glycine at codon 634 of the ATP7B protein. Computational prediction suggests that this variant may not impact protein structure and function (internally defined REVEL score threshold <= 0.5, PMID: 27666373). To our knowledge, functional studies have not been reported for this variant. This variant has not been reported in individuals affected with ATP7B-related disorders in the literature. This variant has not been identified in the general population by the Genome Aggregation Database (gnomAD). The available evidence is insufficient to determine the role of this variant in disease conclusively. Therefore, this variant is classified as a Variant of Uncertain Significance.

This study involves interpretation of variants in research participants for the purpose of population health screening. Participant phenotype was not available at the time of variant classification. Additional details can be found in publication PMID: 35346344, PMCID: PMC8962531

Literature cited by the submitters: PubMed 35220961 (cited by Myriad Genetics, Inc. and Women's Health and Genetics/Laboratory Corporation of America, LabCorp); PubMed 38830145 (cited by Myriad Genetics, Inc. and Women's Health and Genetics/Laboratory Corporation of America, LabCorp).

NM_000053.4(ATP7B):c.1900A>G (p.Arg634Gly)

Gene: ATP7B (ATPase copper transporting beta; minus strand). Cytogenetic location: 13q14.3.
Variant type: single nucleotide variant.
Coding change: c.1900A>G on transcript NM_000053.4 (MANE Select); coding-DNA position 1900, A replaced by G.
Protein change: p.Arg634Gly; replaces arginine 634 with glycine.
Molecular consequence: missense variant. On other transcripts: intron variant (13).
Genome position (GRCh38, 1-based): chr13:51,961,883, T>C on the plus strand (A>G on the coding strand, the complement: ATP7B is on the minus strand). VCF-style: chr13-51961883-T-C. GRCh37 (hg19) VCF-style: chr13-52536019-T-C.
Other names: c.1567A>G, p.Arg523Gly (NM_001243182.2); c.1900A>G, p.Arg634Gly (NM_001330578.2, NM_001406511.1, NM_001406512.1 and 16 more transcripts); c.1867A>G, p.Arg623Gly (NM_001406514.1, NM_001406524.1); c.1804A>G, p.Arg602Gly (NM_001406517.1, NM_001406518.1, NM_001406536.1 and 1 more transcripts); c.1471A>G, p.Arg491Gly (NM_001406539.1); c.1869+2989A>G (NM_001406541.1, NM_001406531.1, NM_001406532.1 and 5 more transcripts); c.1773+2989A>G (NM_001406543.1, NM_001406544.1); c.1286-11722A>G (NM_001406548.1); and 1 more; short protein forms R491G, R523G, R602G, R623G, R634G.
Identifiers: ClinVar variation 3071480 (VCV003071480.4), dbSNP rs2547734365, ClinGen allele CA388027720.